The following is an entry in ClinVar:

ClinVar aggregate classification (germline): Pathogenic/Likely pathogenic. Review status: criteria provided, multiple submitters, no conflicts (2 of 4 stars). 2 submissions from 2 submitters: Pathogenic (1); Likely pathogenic (1). Last evaluated 2026-04-27.

Conditions:
Baller-Gerold syndrome (BGS). Also called: CRANIOSYNOSTOSIS WITH RADIAL DEFECTS. Identifiers: Orphanet 1225, MedGen C0265308, MONDO:0009039, OMIM 218600.
Paediatric disorders.

Submissions (2):

North West Genomic Laboratory Hub, Manchester University NHS Foundation Trust
Classification: Pathogenic for Paediatric disorders. Last evaluated: 2026-04-27. Review status: criteria provided, single submitter. Criteria: ACGS Best Practice Guidelines for Variant Classification in Rare Disease 2024. Collection method: clinical testing. Allele origin: germline. Affected: yes.
Comment: PVS1_VStr PM3_Supp PM2_Mod

Labcorp Genetics (formerly Invitae), Labcorp
Classification: Likely pathogenic for Baller-Gerold syndrome. Last evaluated: 2020-03-12. Review status: criteria provided, single submitter. Criteria: Invitae Variant Classification Sherloc (09022015). Collection method: clinical testing. Allele origin: germline.
Comment: This variant is not present in population databases (ExAC no frequency). This variant has not been reported in the literature in individuals with RECQL4-related disease. ClinVar contains an entry for this variant (Variation ID: 575801). Donor and acceptor splice site variants typically lead to a loss of protein function (PMID: 16199547), and loss-of-function variants in RECQL4 are known to be pathogenic (PMID: 12734318, 12952869). In summary, the currently available evidence indicates that the variant is pathogenic, but additional data are needed to prove that conclusively. Therefore, this variant has been classified as Likely Pathogenic. This sequence change affects a donor splice site in intron 13 of the RECQL4 gene. It is expected to disrupt RNA splicing and likely results in an absent or disrupted protein product.

Literature cited by the submitters: PubMed 16199547 (cited by Labcorp Genetics (formerly Invitae), Labcorp); PubMed 12734318 (cited by Labcorp Genetics (formerly Invitae), Labcorp); PubMed 12952869 (cited by Labcorp Genetics (formerly Invitae), Labcorp).

NM_004260.4(RECQL4):c.2200+2T>C

Gene: RECQL4 (RecQ like helicase 4; minus strand). Cytogenetic location: 8q24.3.
Variant type: single nucleotide variant.
Coding change: c.2200+2T>C on transcript NM_004260.4 (MANE Select); the canonical splice donor site of the intron after coding-DNA position 2200, T replaced by C.
Molecular consequence: splice donor variant.
Genome position (GRCh38, 1-based): chr8:144,513,569, A>G on the plus strand (T>C on the coding strand, the complement: RECQL4 is on the minus strand). VCF-style: chr8-144513569-A-G. GRCh37 (hg19) VCF-style: chr8-145738953-A-G.
Other names: c.2200+2T>C (NM_001413019.1, NM_001413018.1, NM_001413036.1); c.1129+2T>C (NM_001413040.1, NM_001413021.1, NM_001413024.1 and 6 more transcripts); c.733+2T>C (NM_001413043.1); c.931+2T>C (NM_001413031.1); c.1063+2T>C (NM_001413030.1, NM_001413041.1, NM_001413032.1 and 1 more transcripts); c.1099+2T>C (NM_001413042.1); c.997+2T>C (NM_001413037.1); c.2071+2T>C (NM_001413025.1); and 4 more.
Identifiers: ClinVar variation 575801 (VCV000575801.9), dbSNP rs768749064, ClinGen allele CA372679538.
Genomic context (GRCh38, chr8:144,513,569, plus strand): 5'-GGGATGGGACCATGTGTGCCCAAGGTGGGTCCACGGGGACACCAGCTCTGTCCATGCCGC[A>G]CCTCCAGACCCTGGGACCCAGGCTGCGTGCAGGCAGGTTCGGAGGAGCGCAGCGATCCGC-3'